The following is an entry in ClinVar:

NM_006593.4(TBR1):c.1771G>A (p.Ala591Thr)

Gene: TBR1 (T-box brain transcription factor 1; plus strand). Cytogenetic location: 2q24.2.
Variant type: single nucleotide variant.
Coding change: c.1771G>A on transcript NM_006593.4 (MANE Select); coding-DNA position 1771, G replaced by A.
Protein change: p.Ala591Thr; replaces alanine 591 with threonine.
Molecular consequence: missense variant.
Genome position (GRCh38, 1-based): chr2:161,423,949, G>A. VCF-style: chr2-161423949-G-A. GRCh37 (hg19) VCF-style: chr2-162280460-G-A.
Other names: p.Ala591Thr; short protein forms A591T.
Identifiers: ClinVar variation 2504591 (VCV002504591.2), dbSNP rs1489503769, ClinGen allele CA349214428.
Genomic context (GRCh38, chr2:161,423,949, plus strand): 5'-GCCGCCGCGCGCATGGCCGGCGCCAATCCCTACCTGGGCGAGGAGGCCGAGGGCCTGGCC[G>A]CCGAGCGCTCGCCGCTGCCGCCCGGCGCCGCCGAGGACGCCAAGCCCAAGGACCTGTCCG-3'
Protein context (NP_006584.1, residues 581-601): YLGEEAEGLA[Ala591Thr]ERSPLPPGAA

ClinVar aggregate classification (germline): Uncertain significance (1 of 4 stars; one submission).

Conditions:
Intellectual developmental disorder with autism and speech delay. Also called: Autism, susceptibility to, 5; AUTS5; Autism 5; AUTISM-RELATED SPEECH DELAY; PHRASE SPEECH DELAY, AUTISM-RELATED. Identifiers: MedGen C1853755, MONDO:0011627, OMIM 606053.

Allele frequency attached by ClinVar (database versions not stated): gnomAD exomes below 0.00001.
gnomAD v4.1: 1 of 1,545,462 alleles (0.000065%); highest among the groups gnomAD compares: South Asian, 0.0012%; no homozygotes.

Submission:

Foundation for Research in Genetics and Endocrinology, FRIGE's Institute of Human Genetics
Classification: Uncertain significance for Intellectual developmental disorder with autism and speech delay. Last evaluated: 2023-06-07. Review status: criteria provided, single submitter. Criteria: ACMG Guidelines, 2015. Collection method: clinical testing. Allele origin: germline. Inheritance: Autosomal dominant inheritance. Affected: yes. Observed: 1 heterozygote.
Comment: A heterozygous missense variant in exon 6 of the TBR1 gene that results in the amino acid substitution of Threonine for Alanine at codon 591 (p.Ala591Thr) was detected. This variant has not been reported in the 1000 genomes, gnomAD (v3.1), gnomdAD (v2.1) and topmed databases. The reference codon is conserved across mammals. In summary, the variant meets our criteria to be classified as variant of uncertain significance.